The following is an entry in ClinVar:

NC_000013.10:g.(?_100038233)_(103718599_?)dup

Genes: BIVM (basic, immunoglobulin-like variable motif containing; plus strand), BIVM-ERCC5 (BIVM-ERCC5 readthrough; plus strand), CLYBL (citramalyl-CoA lyase; plus strand), ERCC5 (ERCC excision repair 5, endonuclease; plus strand), FGF14 (fibroblast growth factor 14; minus strand) and 15 more. Cytogenetic location: 13q32.3-33.1.
Variant type: Duplication.
Identifiers: ClinVar variation 2422806 (VCV002422806.4).

ClinVar aggregate classification (germline): Uncertain significance. Review status: criteria provided, single submitter (1 of 4 stars). 3 submissions from 1 submitter: Uncertain significance (1). 2 of the submissions do not count toward it. Last evaluated 2022-09-30.

Conditions:
Propionic acidemia (PROP). Also called: GLYCINEMIA, KETOTIC; HYPERGLYCINEMIA WITH KETOACIDOSIS AND LEUKOPENIA; KETOTIC HYPERGLYCINEMIA. Identifiers: Orphanet 35, MedGen C0268579, MONDO:0011628, OMIM 606054, HP:0003571.
Holoprosencephaly 5 (HPE5). Identifiers: Orphanet 2162, MedGen C1864827, MONDO:0012322, OMIM 609637.

Submissions (3):

Labcorp Genetics (formerly Invitae), Labcorp
Classification: Uncertain significance. Last evaluated: 2022-09-30. Review status: criteria provided, single submitter. Criteria: Invitae Variant Classification Sherloc (09022015). Collection method: clinical testing. Allele origin: germline.
Comment: A copy number gain of the genomic region encompassing the full coding sequence of the NALCN gene has been identified. The boundaries of this event are unknown as they extend beyond the assayed region for this gene and therefore may encompass additional genes. As the precise location of this event is unknown, it may be in tandem or it may be located elsewhere in the genome. This variant has not been reported in the literature in individuals affected with NALCN-related conditions. In summary, the available evidence is currently insufficient to determine the role of this variant in disease. Therefore, it has been classified as a Variant of Uncertain Significance.

Labcorp Genetics (formerly Invitae), Labcorp
Classification: Uncertain significance for Holoprosencephaly 5. Last evaluated: 2022-10-04. Review status: flagged submission. Criteria: Invitae Variant Classification Sherloc (09022015). Collection method: clinical testing. Allele origin: germline. Not counted in ClinVar's aggregate classification.
Comment: A copy number gain of the genomic region encompassing the full coding sequence of the ZIC2 gene has been identified. The boundaries of this event are unknown as they extend beyond the assayed region for this gene and therefore may encompass additional genes. As the precise location of this event is unknown, it may be in tandem or it may be located elsewhere in the genome. This variant has not been reported in the literature in individuals affected with ZIC2-related conditions. In summary, the available evidence is currently insufficient to determine the role of this variant in disease. Therefore, it has been classified as a Variant of Uncertain Significance.
ClinVar note: Reason: This record appears to be redundant with a more recent record from the same submitter.
ClinVar note: Notes: SCV003791601 appears to be redundant with SCV003796216.

Labcorp Genetics (formerly Invitae), Labcorp
Classification: Uncertain significance for Propionic acidemia. Last evaluated: 2022-08-21. Review status: flagged submission. Criteria: Invitae Variant Classification Sherloc (09022015). Collection method: clinical testing. Allele origin: germline. Not counted in ClinVar's aggregate classification.
Comment: A copy number gain of the genomic region encompassing the full coding sequence of the PCCA gene has been identified. The boundaries of this event are unknown as they extend beyond the assayed region for this gene and therefore may encompass additional genes. As the precise location of this event is unknown, it may be in tandem or it may be located elsewhere in the genome. This variant has not been reported in the literature in individuals affected with PCCA-related conditions. In summary, the available evidence is currently insufficient to determine the role of this variant in disease. Therefore, it has been classified as a Variant of Uncertain Significance.
ClinVar note: Reason: This record appears to be redundant with a more recent record from the same submitter.
ClinVar note: Notes: SCV003792063 appears to be redundant with SCV003796216.